The following is an entry in ClinVar:

NM_000448.3(RAG1):c.2515C>T (p.His839Tyr)

Gene: RAG1 (recombination activating 1; plus strand). Cytogenetic location: 11p12.
Variant type: single nucleotide variant.
Coding change: c.2515C>T on transcript NM_000448.3 (MANE Select); coding-DNA position 2515, C replaced by T.
Protein change: p.His839Tyr; replaces histidine 839 with tyrosine.
Molecular consequence: missense variant.
Genome position (GRCh38, 1-based): chr11:36,575,819, C>T. VCF-style: chr11-36575819-C-T. GRCh37 (hg19) VCF-style: chr11-36597369-C-T.
Other names: c.2515C>T, p.His839Tyr (NM_001377277.1, NM_001377278.1, NM_001377279.1 and 1 more transcripts); c.2515C>T (NM_000448.2); short protein forms H839Y.
Identifiers: ClinVar variation 1363946 (VCV001363946.6), dbSNP rs1293036892, ClinGen allele CA380154894.

ClinVar aggregate classification (germline): Uncertain significance. Review status: criteria provided, multiple submitters, no conflicts (2 of 4 stars). 2 submissions from 2 submitters: Uncertain significance (2). Last evaluated 2022-02-02.

Conditions:
Severe combined immunodeficiency, autosomal recessive, T cell-negative, B cell-negative, NK cell-positive. Also called: SCID, AR, T-cell negative, B-cell negative, NK cell-positive; SCID, T CELL-NEGATIVE, B CELL-NEGATIVE, NK CELL-POSITIVE; Severe combined immunodeficiency due to complete RAG1/2 deficiency. Identifiers: Orphanet 331206, MedGen C1832322, MONDO:0011086, OMIM 601457.
Combined immunodeficiency with skin granulomas. Identifiers: Orphanet 157949, MedGen C2673536, MONDO:0009306, OMIM 233650.
Inborn genetic diseases. Identifiers: MedGen C0950123, MeSH D030342.

Allele frequency attached by ClinVar (database versions not stated): gnomAD exomes below 0.00001; gnomAD 0.00001; TOPMed 0.00002.

Submissions (2):

Labcorp Genetics (formerly Invitae), Labcorp
Classification: Uncertain significance for Combined immunodeficiency with skin granulomas; Severe combined immunodeficiency, autosomal recessive, T cell-negative, B cell-negative, NK cell-positive. Last evaluated: 2022-02-02. Review status: criteria provided, single submitter. Criteria: Invitae Variant Classification Sherloc (09022015). Collection method: clinical testing. Allele origin: germline.
Comment: This sequence change replaces histidine, which is basic and polar, with tyrosine, which is neutral and polar, at codon 839 of the RAG1 protein (p.His839Tyr). This variant is not present in population databases (gnomAD no frequency). This variant has not been reported in the literature in individuals affected with RAG1-related conditions. Advanced modeling of protein sequence and biophysical properties (such as structural, functional, and spatial information, amino acid conservation, physicochemical variation, residue mobility, and thermodynamic stability) performed at Invitae indicates that this missense variant is expected to disrupt RAG1 protein function. Algorithms developed to predict the effect of sequence changes on RNA splicing suggest that this variant may create or strengthen a splice site. In summary, the available evidence is currently insufficient to determine the role of this variant in disease. Therefore, it has been classified as a Variant of Uncertain Significance.

Ambry Genetics
Classification: Uncertain significance for Inborn genetic diseases. Last evaluated: 2021-07-15. Review status: criteria provided, single submitter. Criteria: Ambry Variant Classification Scheme 2023. Collection method: clinical testing. Allele origin: germline.